The following is an entry in ClinVar:

NC_000001.10:g.(?_211836768)_(211848821_?)dup

Gene: NEK2 (NIMA related kinase 2; minus strand). Cytogenetic location: 1q32.3.
Variant type: Duplication.
Identifiers: ClinVar variation 1446493 (VCV001446493.4).

ClinVar aggregate classification (germline): Uncertain significance (1 of 4 stars; one submission).

Submission:

Labcorp Genetics (formerly Invitae), Labcorp
Classification: Uncertain significance. Last evaluated: 2021-12-23. Review status: criteria provided, single submitter. Criteria: Invitae Variant Classification Sherloc (09022015). Collection method: clinical testing. Allele origin: germline.
Comment: A copy number gain of the genomic region encompassing the full coding sequence of the NEK2 gene has been identified. The boundaries of this event are unknown as they extend beyond the assayed region for this gene and therefore may encompass additional genes. As the precise location of this event is unknown, it may be in tandem or it may be located elsewhere in the genome. This variant has not been reported in the literature in individuals affected with NEK2-related conditions. In summary, the available evidence is currently insufficient to determine the role of this variant in disease. Therefore, it has been classified as a Variant of Uncertain Significance.